The following is an entry in ClinVar:

ClinVar aggregate classification (germline): Benign. Review status: criteria provided, multiple submitters, no conflicts (2 of 4 stars). 3 submissions from 3 submitters: Benign (3). Last evaluated 2021-06-21.

Conditions:
Fraser syndrome 2 (FRASRS2). Identifiers: MedGen C4540036, MONDO:0054738, OMIM 617666.

Allele frequency attached by ClinVar (database versions not stated): gnomAD exomes 0.00625; gnomAD 0.04992 and 0.05375; TOPMed 0.05626; 1000 Genomes Project 0.05771; 1000 Genomes Project 30x 0.06074.
gnomAD v4.1: 10,448 of 578,076 alleles (1.8%); highest among the groups gnomAD compares: African/African-American, 17%; 787 homozygotes.

Submissions (4):

GeneDx
Classification: Benign. Last evaluated: 2021-06-21. Review status: criteria provided, single submitter. Criteria: GeneDx Variant Classification Process June 2021. Collection method: clinical testing. Allele origin: germline. Affected: yes.

Illumina Laboratory Services, Illumina
Classification: Benign for Fraser syndrome 2. Last evaluated: 2018-01-13. Review status: criteria provided, single submitter. Criteria: ICSL Variant Classification Criteria 13 December 2019. Collection method: clinical testing. Allele origin: germline.
Comment: This variant was observed in the ICSL laboratory as part of a predisposition screen in an ostensibly healthy population. It had not been previously curated by ICSL or reported in the Human Gene Mutation Database (HGMD: prior to June 1st, 2018), and was therefore a candidate for classification through an automated scoring system. Utilizing variant allele frequency, disease prevalence and penetrance estimates, and inheritance mode, an automated score was calculated to assess if this variant is too frequent to cause the disease. Based on the score and internal cut-off values, a variant classified as benign is not then subjected to further curation. The score for this variant resulted in a classification of benign for this disease.

Breakthrough Genomics
Classification: Benign. Review status: criteria provided, single submitter. Criteria: ACMG Guidelines, 2015. Collection method: not provided. Allele origin: germline. Inheritance: Autosomal recessive inheritance. Affected: yes.

Dr. Peter K. Rogan Lab, Western University
No classification provided (evidence only). Condition: Uterine corpus endometrial carcinoma. Review status: no classification provided. Collection method: in vitro. Allele origin: not applicable. Functional consequence: retained intron. Not counted in ClinVar's aggregate classification.

NM_207361.6(FREM2):c.-260A>G

Gene: FREM2 (FRAS1 related extracellular matrix 2; plus strand). Cytogenetic location: 13q13.3.
Variant type: single nucleotide variant.
Coding change: c.-260A>G on transcript NM_207361.6 (MANE Select); 260 bases upstream of the start codon, A replaced by G.
Molecular consequence: 5 prime UTR variant.
Genome position (GRCh38, 1-based): chr13:38,687,085, A>G. VCF-style: chr13-38687085-A-G. GRCh37 (hg19) VCF-style: chr13-39261222-A-G.
Other names: NC_000013.10:g.39261222A>G.
Identifiers: ClinVar variation 311927 (VCV000311927.10), dbSNP rs7997838, ClinGen allele CA10643352.